The following is an entry in ClinVar:

NM_002180.3(IGHMBP2):c.1032G>A (p.Ser344=)

Gene: IGHMBP2 (immunoglobulin mu DNA binding protein 2; plus strand). Cytogenetic location: 11q13.3.
Variant type: single nucleotide variant.
Coding change: c.1032G>A on transcript NM_002180.3 (MANE Select); coding-DNA position 1032, G replaced by A.
Protein change: p.Ser344=; no amino-acid change (serine 344 retained).
Molecular consequence: synonymous variant.
Genome position (GRCh38, 1-based): chr11:68,917,855, G>A. VCF-style: chr11-68917855-G-A. GRCh37 (hg19) VCF-style: chr11-68685323-G-A.
Identifiers: ClinVar variation 515489 (VCV000515489.15), dbSNP rs779452908, ClinGen allele CA6153481.

ClinVar aggregate classification (germline): Likely benign. Review status: criteria provided, multiple submitters, no conflicts (2 of 4 stars). 5 submissions from 5 submitters: Likely benign (4). 1 of the submissions does not count toward it. Last evaluated 2025-04-11.

Conditions:
IGHMBP2-related disorder. Also called: IGHMBP2-related condition; IGHMBP2-related disorders.
Charcot-Marie-Tooth disease axonal type 2S. Also called: CHARCOT-MARIE-TOOTH DISEASE, AXONAL, AUTOSOMAL RECESSIVE, TYPE 2S; CHARCOT-MARIE-TOOTH NEUROPATHY, TYPE 2S. Identifiers: Orphanet 443073, MedGen C4015349, MONDO:0014511, OMIM 616155.
Autosomal recessive distal spinal muscular atrophy 1. Also called: NEURONOPATHY, DISTAL HEREDITARY MOTOR, HARDING TYPE VI; NEUROPATHY, DISTAL HEREDITARY MOTOR, AUTOSOMAL RECESSIVE 1; NEURONOPATHY, SEVERE INFANTILE AXONAL, WITH RESPIRATORY FAILURE; SEVERE INFANTILE AXONAL NEUROPATHY WITH RESPIRATORY FAILURE; SPINAL MUSCULAR ATROPHY, DIAPHRAGMATIC; Spinal muscular atrophy with respiratory distress 1. Identifiers: Orphanet 98920, MedGen C1858517, MONDO:0011436, OMIM 604320.
Inborn genetic diseases. Identifiers: MedGen C0950123, MeSH D030342.
Charcot-Marie-Tooth disease. Also called: Charcot-Marie-Tooth Hereditary Neuropathy; Charcot-Marie-Tooth Neuropathy. Identifiers: Orphanet 166, MedGen C0007959, MONDO:0015626.

Allele frequency attached by ClinVar (database versions not stated): gnomAD 0.00002 and 0.00003; gnomAD exomes 0.00003 and 0.00004; TOPMed 0.00003; ExAC 0.00004.
gnomAD v4.1: 68 of 1,613,946 alleles (0.0042%); highest among the groups gnomAD compares: Middle Eastern, 0.017%; no homozygotes.

Submissions (5):

Labcorp Genetics (formerly Invitae), Labcorp
Classification: Likely benign for Autosomal recessive distal spinal muscular atrophy 1; Charcot-Marie-Tooth disease axonal type 2S. Last evaluated: 2025-04-11. Review status: criteria provided, single submitter. Criteria: Invitae Variant Classification Sherloc (09022015). Collection method: clinical testing. Allele origin: germline.

Ambry Genetics
Classification: Likely benign for Inborn genetic diseases. Last evaluated: 2019-07-11. Review status: criteria provided, single submitter. Criteria: Ambry Variant Classification Scheme 2023. Collection method: clinical testing. Allele origin: germline.

GeneDx
Classification: Likely benign. Last evaluated: 2018-02-15. Review status: criteria provided, single submitter. Criteria: GeneDx Variant Classification (06012015). Collection method: clinical testing. Allele origin: germline. Affected: yes.
Comment: This variant is considered likely benign or benign based on one or more of the following criteria: it is a conservative change, it occurs at a poorly conserved position in the protein, it is predicted to be benign by multiple in silico algorithms, and/or has population frequency not consistent with disease.

Molecular Genetics Laboratory, London Health Sciences Centre
Classification: Likely benign for Charcot-Marie-Tooth disease. Review status: criteria provided, single submitter. Criteria: ACMG Guidelines, 2015. Collection method: clinical testing. Allele origin: germline. Affected: yes.

PreventionGenetics, part of Exact Sciences
Classification: Likely benign for IGHMBP2-related condition. Last evaluated: 2019-09-04. Review status: no assertion criteria provided. Collection method: clinical testing. Allele origin: germline. Not counted in ClinVar's aggregate classification.
Comment: This variant is classified as likely benign based on ACMG/AMP sequence variant interpretation guidelines (Richards et al. 2015 PMID: 25741868, with internal and published modifications).